The following is an entry in ClinVar:

NM_000094.4(COL7A1):c.5772+1del

Gene: COL7A1 (collagen type VII alpha 1 chain; minus strand). Cytogenetic location: 3p21.31.
Variant type: Deletion.
Coding change: c.5772+1del on transcript NM_000094.4 (MANE Select); the canonical splice donor site of the intron after coding-DNA position 5772, one base deleted (G; older notation c.5772+1delG).
Molecular consequence: splice donor variant.
Genome position (GRCh38, 1-based): chr3:48,576,399, C deleted on the plus strand (G on the coding strand, the reverse complement: COL7A1 is on the minus strand); the first of 2 consecutive C bases (chr3:48,576,399-48,576,400); deleting either gives the same sequence. VCF-style (leftmost placement, unchanged base first): chr3-48576398-AC-A. GRCh37 (hg19) VCF-style: chr3-48613831-AC-A.
Identifiers: ClinVar variation 928653 (VCV000928653.2), dbSNP rs1295547257, ClinGen allele CA543045774.

ClinVar aggregate classification (germline): Pathogenic. Review status: criteria provided, multiple submitters, no conflicts (2 of 4 stars). 2 submissions from 2 submitters: Pathogenic (2). Last evaluated 2025-07-28.

Conditions:
Epidermolysis bullosa dystrophica. Also called: Dystrophic epidermolysis bullosa, Hallopeau-Siemens type (formerly); Dystrophic epidermolysis bullosa. Identifiers: Orphanet 303, MedGen C0079294, MONDO:0006543.

Submissions (2):

Natera, Inc.
Classification: Pathogenic for Dystrophic epidermolysis bullosa. Last evaluated: 2025-07-28. Review status: criteria provided, single submitter. Criteria: Natera Variant Classification Schema (03/2026). Collection method: clinical testing. Allele origin: germline.
Comment: The c.5772+1del variant in COL7A1 is a canonical splice donor site variant predicted to affect pre-mRNA splicing, which may result in an abnormal transcript and altered protein product. This variant is expected to result in nonsense mediated decay, truncation, or a dysfunctional protein product. This variant is rare in the general population with a frequency below the threshold expected for the associated phenotype(s). This variant has been observed in one or more individuals affected with the associated recessive disease, as either homozygous or compound heterozygous with a second variant (PMID: 33969388). Functional studies show that this variant may disrupt protein function (PMID: 33969388). Given the available evidence, this variant is classified as Pathogenic.

Women's Health and Genetics/Laboratory Corporation of America, LabCorp
Classification: Pathogenic for Dystrophic epidermolysis bullosa. Last evaluated: 2019-12-03. Review status: criteria provided, single submitter. Criteria: LabCorp Variant Classification Summary - May 2015. Collection method: clinical testing. Allele origin: germline.
Comment: Variant summary: COL7A1 c.5772+1delG is located in a canonical splice-site and is predicted to affect mRNA splicing resulting in a significantly altered protein due to either exon skipping, shortening, or inclusion of intronic material. Several computational tools predict a significant impact on normal splicing: Five predict the variant abolishes a 5 splicing donor site. However, these predictions have yet to be confirmed by functional studies. The variant allele was found at a frequency of 4e-06 in 250798 control chromosomes (gnomAD). c.5772+1delG has been reported in the literature in individuals affected with dystrophic epidermolysis bullosa (Whittock_1999, Salas-Alanis_2000). These data indicate that the variant is likely to be associated with disease. To our knowledge, no experimental evidence demonstrating an impact on protein function has been reported. No clinical diagnostic laboratories have submitted clinical-significance assessments for this variant to ClinVar after 2014. Based on the evidence outlined above, the variant was classified as pathogenic.

Literature cited by the submitters: PubMed 33969388 (cited by Natera, Inc.); PubMed 21448560 (cited by Women's Health and Genetics/Laboratory Corporation of America, LabCorp); PubMed 18558993 (cited by Women's Health and Genetics/Laboratory Corporation of America, LabCorp); PubMed 24210835 (cited by Women's Health and Genetics/Laboratory Corporation of America, LabCorp); PubMed 10944088 (cited by Women's Health and Genetics/Laboratory Corporation of America, LabCorp); PubMed 10504458 (cited by Women's Health and Genetics/Laboratory Corporation of America, LabCorp).